The following is an entry in ClinVar:

ClinVar aggregate classification (germline): Uncertain significance (1 of 4 stars; one submission).

gnomAD v4.1: 5 of 1,613,728 alleles (0.00031%); highest among the groups gnomAD compares: African/African-American, 0.0027%; no homozygotes.

Submission:

Ambry Genetics
Classification: Uncertain significance. Last evaluated: 2022-10-08. Review status: criteria provided, single submitter. Criteria: Ambry Variant Classification Scheme 2023. Collection method: clinical testing. Allele origin: germline.
Comment: The p.R585L variant (also known as c.1754G>T), located in coding exon 16 of the BUB1 gene, results from a G to T substitution at nucleotide position 1754. The arginine at codon 585 is replaced by leucine, an amino acid with dissimilar properties. This amino acid position is conserved. In addition, the in silico prediction for this alteration is inconclusive. Since supporting evidence is limited at this time, the clinical significance of this alteration remains unclear.

NM_004336.5(BUB1):c.1754G>T (p.Arg585Leu)

Gene: BUB1 (BUB1 mitotic checkpoint serine/threonine kinase; minus strand). Cytogenetic location: 2q13.
Variant type: single nucleotide variant.
Coding change: c.1754G>T on transcript NM_004336.5 (MANE Select); coding-DNA position 1754, G replaced by T.
Protein change: p.Arg585Leu; replaces arginine 585 with leucine.
Molecular consequence: missense variant.
Genome position (GRCh38, 1-based): chr2:110,655,861, C>A on the plus strand (G>T on the coding strand, the complement: BUB1 is on the minus strand). VCF-style: chr2-110655861-C-A. GRCh37 (hg19) VCF-style: chr2-111413438-C-A.
Other names: c.1694G>T, p.Arg565Leu (NM_001278616.2); c.1754G>T, p.Arg585Leu (NM_001278617.2); short protein forms R565L, R585L.
Identifiers: ClinVar variation 1779450 (VCV001779450.2), dbSNP rs375036331, ClinGen allele CA348210906.